The following is an entry in ClinVar:

ClinVar aggregate classification (germline): Conflicting classifications of pathogenicity. Review status: criteria provided, conflicting classifications (1 of 4 stars). 11 submissions from 10 submitters: Uncertain significance (1); Benign (6); Likely benign (2). 2 of the submissions do not count toward it. Last evaluated 2026-02-02.

Conditions:
Nephronophthisis. Also called: Juvenile Nephronophthisis. Identifiers: Orphanet 655, MedGen C0687120, MONDO:0019005, HP:0000090.
Atypical hemolytic-uremic syndrome. Identifiers: Orphanet 2134, MedGen C2931788, MONDO:0016244.
Bardet-Biedl syndrome (BBS). Identifiers: Orphanet 110, MedGen C0752166, MONDO:0015229.
Nephronophthisis 4 (NPHP4). Also called: NEPHRONOPHTHISIS 4, JUVENILE. Identifiers: Orphanet 655, MedGen C1847013, MONDO:0011752, OMIM 606966.
Senior-Loken syndrome 4 (SLSN4). Identifiers: Orphanet 3156, MedGen C1846979, MONDO:0011756, OMIM 606996.

Allele frequency attached by ClinVar (database versions not stated): 1000 Genomes Project 30x 0.00921; 1000 Genomes Project 0.00938; TOPMed 0.01940; gnomAD 0.02222 and 0.02256; ESP Exome Variant Server 0.02421.
gnomAD v4.1: 46,920 of 1,602,776 alleles (2.9%); highest among the groups gnomAD compares: Non-Finnish European, 3.3%; 782 homozygotes.

Submissions (11):

Labcorp Genetics (formerly Invitae), Labcorp
Classification: Benign for Nephronophthisis. Last evaluated: 2026-02-02. Review status: criteria provided, single submitter. Criteria: Invitae Variant Classification Sherloc (09022015). Collection method: clinical testing. Allele origin: germline.

Blueprint Genetics
Classification: Likely benign. Last evaluated: 2024-11-26. Review status: criteria provided, single submitter. Criteria: ACMG Guidelines, 2015. Collection method: clinical testing. Allele origin: germline.

SN ONGC Dept of Genetics and Molecular biology Vision Research Foundation
Classification: Uncertain significance for Bardet-Biedl syndrome. Last evaluated: 2023-06-02. Review status: criteria provided, single submitter. Criteria: ACMG Guidelines, 2015. Collection method: research. Allele origin: unknown. Affected: yes. Observed: 1 heterozygote.
Comment: This variant was observed in digenic inheritance with the variant NC_000017.10:g.56283727G>C.

Mayo Clinic Laboratories, Mayo Clinic
Classification: Benign. Last evaluated: 2023-02-13. Review status: criteria provided, single submitter. Criteria: ACMG Guidelines, 2015. Collection method: clinical testing. Allele origin: germline. Observed: 32 variant alleles.
Comment: BS1, BS2, BP4

Genome Diagnostics Laboratory, The Hospital for Sick Children
Classification: Likely benign for Atypical hemolytic-uremic syndrome. Last evaluated: 2019-12-01. Review status: criteria provided, single submitter. Criteria: ACMG Guidelines, 2015. Collection method: clinical testing. Allele origin: germline.

Illumina Laboratory Services, Illumina
Classification: Benign for Senior-Loken syndrome 4. Last evaluated: 2018-01-13. Review status: criteria provided, single submitter. Criteria: ICSL Variant Classification Criteria 13 December 2019. Collection method: clinical testing. Allele origin: germline.
Comment: This variant was observed in the ICSL laboratory as part of a predisposition screen in an ostensibly healthy population. It had not been previously curated by ICSL or reported in the Human Gene Mutation Database (HGMD: prior to June 1st, 2018), and was therefore a candidate for classification through an automated scoring system. Utilizing variant allele frequency, disease prevalence and penetrance estimates, and inheritance mode, an automated score was calculated to assess if this variant is too frequent to cause the disease. Based on the score and internal cut-off values, a variant classified as benign is not then subjected to further curation. The score for this variant resulted in a classification of benign for this disease.

Illumina Laboratory Services, Illumina
Classification: Benign for Nephronophthisis 4. Last evaluated: 2018-01-13. Review status: criteria provided, single submitter. Criteria: ICSL Variant Classification Criteria 13 December 2019. Collection method: clinical testing. Allele origin: germline.
Comment: the same text as in the submission from Illumina Laboratory Services, Illumina above.

PreventionGenetics, part of Exact Sciences
Classification: Benign. Last evaluated: 2016-04-14. Review status: criteria provided, single submitter. Criteria: ACMG Guidelines, 2015. Collection method: clinical testing. Allele origin: germline.

Breakthrough Genomics
Classification: Benign. Review status: criteria provided, single submitter. Criteria: ACMG Guidelines, 2015. Collection method: not provided. Allele origin: germline. Inheritance: Autosomal recessive inheritance. Affected: yes.

Clinical Genetics DNA and cytogenetics Diagnostics Lab, Erasmus MC, Erasmus Medical Center
Classification: Benign. Review status: no assertion criteria provided. Collection method: clinical testing. Allele origin: germline. Affected: yes. Study: VKGL Data-share Consensus. Not counted in ClinVar's aggregate classification.

Genome Diagnostics Laboratory, University Medical Center Utrecht
Classification: Benign. Review status: no assertion criteria provided. Collection method: clinical testing. Allele origin: germline. Affected: yes. Study: VKGL Data-share Consensus. Not counted in ClinVar's aggregate classification.

NM_015102.5(NPHP4):c.2219G>A (p.Arg740His)

Gene: NPHP4 (nephrocystin 4; minus strand). Cytogenetic location: 1p36.31.
Variant type: single nucleotide variant.
Coding change: c.2219G>A on transcript NM_015102.5 (MANE Select); coding-DNA position 2219, G replaced by A.
Protein change: p.Arg740His; replaces arginine 740 with histidine.
Molecular consequence: missense variant. On other transcripts: non-coding transcript variant (1).
Genome position (GRCh38, 1-based): chr1:5,890,953, C>T on the plus strand (G>A on the coding strand, the complement: NPHP4 is on the minus strand). VCF-style: chr1-5890953-C-T. GRCh37 (hg19) VCF-style: chr1-5951013-C-T.
Other names: c.680G>A, p.Arg227His (NM_001291593.2); c.683G>A, p.Arg228His (NM_001291594.2); short protein forms R740H, R227H, R228H.
Identifiers: ClinVar variation 240967 (VCV000240967.25), dbSNP rs34248917, ClinGen allele CA554238.